The following is an entry in ClinVar:

ClinVar aggregate classification (germline): Pathogenic (1 of 4 stars; one submission).

Conditions:
Glycogen storage disease, type V (GSD5). Also called: MCARDLE DISEASE; MUSCLE GLYCOGEN PHOSPHORYLASE DEFICIENCY; MYOPHOSPHORYLASE DEFICIENCY; PYGM DEFICIENCY; McArdle type glycogen storage disease. Identifiers: Orphanet 368, MedGen C0017924, MONDO:0009293, OMIM 232600.

Submission:

Myriad Genetics, Inc.
Classification: Pathogenic for Glycogen storage disease, type V. Last evaluated: 2024-05-14. Review status: criteria provided, single submitter. Criteria: Myriad Autosomal Dominant, Autosomal Recessive and X-Linked Classification Criteria (2023). Collection method: clinical testing. Allele origin: unknown.
Comment: NM_005609.2(PYGM):c.1479_1480ins13(V494Sfs*8) is expected to be pathogenic in the context of glycogen storage disease, PYGM-related. This variant is predicted to lead to an abnormal or absent protein product due to the creation of a premature termination codon in PYGM, a gene where loss-of-function variants are known to be pathogenic. Please note: this variant was assessed in the context of healthy population screening.

NM_005609.4(PYGM):c.1479_1480insTCTCTTATACACA (p.Val494fs)

Gene: PYGM (glycogen phosphorylase, muscle associated; minus strand). Cytogenetic location: 11q13.1.
Variant type: Insertion.
Coding change: c.1479_1480insTCTCTTATACACA on transcript NM_005609.4 (MANE Select); coding-DNA positions 1479 to 1480, TCTCTTATACACA inserted.
Protein change: p.Val494fs; shifts the reading frame from valine 494.
Molecular consequence: frameshift variant.
Genome position: GRCh38 VCF-style: chr11-64753111-C-CTGTGTATAAGAGA. GRCh37 (hg19) VCF-style: chr11-64520583-C-CTGTGTATAAGAGA.
Other names: c.1215_1216insTCTCTTATACACA, p.Val406fs (NM_001164716.1); short protein forms V406fs, V494fs.
Identifiers: ClinVar variation 5010671 (VCV005010671.1).